The following is an entry in ClinVar:

NM_002317.7(LOX):c.929A>G (p.Asn310Ser)

Genes: LOX (lysyl oxidase; minus strand), SRFBP1 (serum response factor binding protein 1; plus strand). Cytogenetic location: 5q23.1.
Variant type: single nucleotide variant.
Coding change: c.929A>G on transcript NM_002317.7 (MANE Select); coding-DNA position 929, A replaced by G.
Protein change: p.Asn310Ser; replaces asparagine 310 with serine.
Molecular consequence: missense variant.
Genome position (GRCh38, 1-based): chr5:122,074,119, T>C on the plus strand (A>G on the coding strand, the complement: LOX is on the minus strand). VCF-style: chr5-122074119-T-C. GRCh37 (hg19) VCF-style: chr5-121409814-T-C.
Other names: c.239A>G, p.Asn80Ser (NM_001178102.2); c.38A>G, p.Asn13Ser (NM_001317073.1); short protein forms N13S, N310S, N80S.
Identifiers: ClinVar variation 2578251 (VCV002578251.5), dbSNP rs547011629, ClinGen allele CA3383894.
Genomic context (GRCh38, chr5:122,074,119, plus strand): 5'-CAGGATGTGTCTTCAAGACAGAAACTTGCTTTGTGGCCTTCAGCCACTCTCCTCTGGGTG[T>C]TGGCATCAAGCAGGTCATAGTGGCTAAACTCATCCATACTGTGGTAATGTCTGATGTCCC-3'
Protein context (NP_002308.2, residues 300-320): EFSHYDLLDA[Asn310Ser]TQRRVAEGHK

ClinVar aggregate classification (germline): Conflicting classifications of pathogenicity. Review status: criteria provided, conflicting classifications (1 of 4 stars). 3 submissions from 3 submitters: Uncertain significance (1); Likely benign (1). 1 of the submissions does not count toward it. Last evaluated 2025-02-10.

Conditions:
LOX-related disorder. Also called: LOX-related disorders; LOX-related condition.

Allele frequency attached by ClinVar (database versions not stated): TOPMed 0.00002; 1000 Genomes Project 0.00020; gnomAD 0.00002; ExAC 0.00010; 1000 Genomes Project 30x 0.00031; gnomAD exomes 0.00004.
gnomAD v4.1: 68 of 1,614,096 alleles (0.0042%); highest among the groups gnomAD compares: South Asian, 0.069%; 1 homozygote.

Submissions (3):

Labcorp Genetics (formerly Invitae), Labcorp
Classification: Likely benign. Last evaluated: 2025-02-10. Review status: criteria provided, single submitter. Criteria: Invitae Variant Classification Sherloc (09022015). Collection method: clinical testing. Allele origin: germline.

GeneDx
Classification: Uncertain significance. Last evaluated: 2024-08-30. Review status: criteria provided, single submitter. Criteria: GeneDx Variant Classification Process June 2021. Collection method: clinical testing. Allele origin: germline. Affected: yes.
Comment: Has not been previously published as pathogenic or benign to our knowledge; In silico analysis indicates that this missense variant does not alter protein structure/function

PreventionGenetics, part of Exact Sciences
Classification: Uncertain significance for LOX-related condition. Last evaluated: 2024-08-06. Review status: no assertion criteria provided. Collection method: clinical testing. Allele origin: germline. Not counted in ClinVar's aggregate classification.
Comment: The LOX c.929A>G variant is predicted to result in the amino acid substitution p.Asn310Ser. To our knowledge, this variant has not been reported in the literature. This variant is reported in 0.049% of alleles in individuals of South Asian descent in gnomAD. Although we suspect that this variant may be benign, at this time, the clinical significance of this variant is uncertain due to the absence of conclusive functional and genetic evidence.